The following is an entry in ClinVar:

NM_000070.3(CAPN3):c.2362_2363delinsTCATAT (p.Arg788fs)

Gene: CAPN3 (calpain 3; plus strand). Cytogenetic location: 15q15.1.
Variant type: Indel.
Coding change: c.2362_2363delinsTCATAT on transcript NM_000070.3 (MANE Select); coding-DNA positions 2362 to 2363, AG replaced by TCATAT.
Protein change: p.Arg788fs; shifts the reading frame from arginine 788.
Molecular consequence: frameshift variant.
Genome position (GRCh38, 1-based): chr15:42,410,982-42,410,983, AG replaced by TCATAT. VCF-style: chr15-42410982-AG-TCATAT. GRCh37 (hg19) VCF-style: chr15-42703180-AG-TCATAT.
Other names: c.2344_2345delinsTCATAT, p.Arg782fs (NM_024344.2); c.2086_2087delinsTCATAT, p.Arg696fs (NM_173087.2); c.826_827delinsTCATAT, p.Arg276fs (NM_173088.2); c.367_368delinsTCATAT, p.Arg123fs (NM_173089.2, NM_173090.2); short protein forms R276fs, R123fs, R788fs, R696fs, R782fs.
Identifiers: ClinVar variation 4775505 (VCV004775505.1).

ClinVar aggregate classification (germline): Pathogenic (1 of 4 stars; one submission).

Conditions:
Autosomal recessive limb-girdle muscular dystrophy type 2A (LGMDR1). Also called: LEYDEN-MOEBIUS MUSCULAR DYSTROPHY; MUSCULAR DYSTROPHY, PELVOFEMORAL; Muscular dystrophy, limb-girdle, type 2A, Amish; Limb-girdle muscular dystrophy, type 2A; Calpainopathy. Identifiers: Orphanet 267, MedGen C1869123, MONDO:0009675, OMIM 253600. Disease mechanism: loss of function.

Submission:

Labcorp Genetics (formerly Invitae), Labcorp
Classification: Pathogenic for Autosomal recessive limb-girdle muscular dystrophy type 2A. Last evaluated: 2017-03-18. Review status: criteria provided, single submitter. Criteria: Invitae Variant Classification Sherloc (09022015). Collection method: clinical testing. Allele origin: germline.
Comment: For these reasons, this variant has been classified as Pathogenic. Truncating variants in CAPN3 are known to be pathogenic. This particular truncation has been reported in the literature in individuals affected with autosomal recessive limb-girdle muscular dystrophy (PMID: 9150160, 21984748, 22194990). This sequence change deletes 2 nucleotides and inserts 6 nucleotides in exon 22 of the CAPN3 mRNA (c.2362_2363delinsTCATCT), causing a frameshift at codon 788. This creates a premature translational stop signal (p.Arg788Serfs*14) and is expected to result in an absent or disrupted protein product.

Literature cited by the submitters: PubMed 9150160; PubMed 21984748; PubMed 22194990.